The following is an entry in ClinVar:

ClinVar aggregate classification (germline): Likely benign (0 of 4 stars; one submission).

Conditions:
PIDD1-related disorder. Also called: PIDD1-related condition.

Allele frequency attached by ClinVar (database versions not stated): gnomAD 0.00001; TOPMed 0.00001.
gnomAD v4.1: 16 of 1,556,654 alleles (0.001%); highest among the groups gnomAD compares: Admixed American, 0.0039%; no homozygotes.

Submission:

PreventionGenetics, part of Exact Sciences
Classification: Likely benign for PIDD1-related condition. Last evaluated: 2020-01-10. Review status: no assertion criteria provided. Collection method: clinical testing. Allele origin: germline.
Comment: This variant is classified as likely benign based on ACMG/AMP sequence variant interpretation guidelines (Richards et al. 2015 PMID: 25741868, with internal and published modifications).

NM_145886.4(PIDD1):c.710-4G>A

Gene: PIDD1 (p53-induced death domain protein 1; minus strand). Cytogenetic location: 11p15.5.
Variant type: single nucleotide variant.
Coding change: c.710-4G>A on transcript NM_145886.4 (MANE Select); 4 bases into the intron before coding-DNA position 710, G replaced by A.
Molecular consequence: intron variant.
Genome position (GRCh38, 1-based): chr11:802,895, C>T on the plus strand (G>A on the coding strand, the complement: PIDD1 is on the minus strand). VCF-style: chr11-802895-C-T. GRCh37 (hg19) VCF-style: chr11-802895-C-T.
Other names: c.710-4G>A (NM_145887.4).
Identifiers: ClinVar variation 3042099 (VCV003042099.2), dbSNP rs746811540, ClinGen allele CA597022343.